The following is an entry in ClinVar:

NM_000553.6(WRN):c.1879G>T (p.Val627Phe)

Gene: WRN (WRN RecQ like helicase; plus strand). Cytogenetic location: 8p12.
Variant type: single nucleotide variant.
Coding change: c.1879G>T on transcript NM_000553.6 (MANE Select); coding-DNA position 1879, G replaced by T.
Protein change: p.Val627Phe; replaces valine 627 with phenylalanine.
Molecular consequence: missense variant.
Genome position (GRCh38, 1-based): chr8:31,091,879, G>T. VCF-style: chr8-31091879-G-T. GRCh37 (hg19) VCF-style: chr8-30949395-G-T.
Other names: short protein forms V627F.
Identifiers: ClinVar variation 1501195 (VCV001501195.8), dbSNP rs374688634, ClinGen allele CA370928498.

ClinVar aggregate classification (germline): Uncertain significance (1 of 4 stars; one submission).

Conditions:
Werner syndrome (WRN). Identifiers: Orphanet 902, MedGen C0043119, MONDO:0010196, OMIM 277700.

Submission:

Labcorp Genetics (formerly Invitae), Labcorp
Classification: Uncertain significance for Werner syndrome. Last evaluated: 2022-03-16. Review status: criteria provided, single submitter. Criteria: Invitae Variant Classification Sherloc (09022015). Collection method: clinical testing. Allele origin: germline.
Comment: This sequence change replaces valine, which is neutral and non-polar, with phenylalanine, which is neutral and non-polar, at codon 627 of the WRN protein (p.Val627Phe). This variant is not present in population databases (gnomAD no frequency). This variant has not been reported in the literature in individuals affected with WRN-related conditions. Algorithms developed to predict the effect of missense changes on protein structure and function are either unavailable or do not agree on the potential impact of this missense change (SIFT: "Not Available"; PolyPhen-2: "Probably Damaging"; Align-GVGD: "Not Available"). In summary, the available evidence is currently insufficient to determine the role of this variant in disease. Therefore, it has been classified as a Variant of Uncertain Significance.